The following is an entry in ClinVar:

ClinVar aggregate classification (germline): Uncertain significance (1 of 4 stars; one submission).

Allele frequency attached by ClinVar (database versions not stated): gnomAD exomes below 0.00001 and 0.00001; TOPMed 0.00001.
gnomAD v4.1: 5 of 1,551,440 alleles (0.00032%); highest among the groups gnomAD compares: Non-Finnish European, 0.00044%; no homozygotes.

Submission:

Labcorp Genetics (formerly Invitae), Labcorp
Classification: Uncertain significance. Last evaluated: 2022-10-18. Review status: criteria provided, single submitter. Criteria: Invitae Variant Classification Sherloc (09022015). Collection method: clinical testing. Allele origin: germline.
Comment: This sequence change replaces aspartic acid, which is acidic and polar, with asparagine, which is neutral and polar, at codon 2313 of the UNC80 protein (p.Asp2313Asn). The frequency data for this variant in the population databases is considered unreliable, as metrics indicate poor data quality at this position in the gnomAD database. This variant has not been reported in the literature in individuals affected with UNC80-related conditions. ClinVar contains an entry for this variant (Variation ID: 1524555). Advanced modeling of protein sequence and biophysical properties (such as structural, functional, and spatial information, amino acid conservation, physicochemical variation, residue mobility, and thermodynamic stability) performed at Invitae indicates that this missense variant is not expected to disrupt UNC80 protein function. In summary, the available evidence is currently insufficient to determine the role of this variant in disease. Therefore, it has been classified as a Variant of Uncertain Significance.

NM_001371986.1(UNC80):c.7135G>A (p.Asp2379Asn)

Gene: UNC80 (unc-80 homolog, NALCN channel complex subunit; plus strand). Cytogenetic location: 2q34.
Variant type: single nucleotide variant.
Coding change: c.7135G>A on transcript NM_001371986.1 (MANE Select); coding-DNA position 7135, G replaced by A.
Protein change: p.Asp2379Asn; replaces aspartic acid 2379 with asparagine.
Molecular consequence: missense variant.
Genome position (GRCh38, 1-based): chr2:209,945,135, G>A. VCF-style: chr2-209945135-G-A. GRCh37 (hg19) VCF-style: chr2-210809859-G-A.
Other names: c.6937G>A, p.Asp2313Asn (NM_032504.2); c.6922G>A, p.Asp2308Asn (NM_182587.4); short protein forms D2308N, D2313N, D2379N.
Identifiers: ClinVar variation 1524555 (VCV001524555.3), dbSNP rs1352460130, ClinGen allele CA350773981.